The following is an entry in ClinVar:

NM_001365276.2(TNXB):c.12628_12633+5dup

Genes: TNXB (tenascin XB; minus strand), LOC106780803 (tenascin XB recombination region; plus strand). Cytogenetic location: 6p21.33.
Variant type: Duplication.
Coding change: c.12628_12633+5dup on transcript NM_001365276.2 (MANE Select); coding-DNA position 12628 through 5 bases into the intron after coding-DNA position 12633, 11 bases duplicated (CATCAGGTGAG).
Molecular consequence: splice donor variant.
Genome position (GRCh38, 1-based): chr6:32,041,766-32,041,776, CTCACCTGATG duplicated on the plus strand (CATCAGGTGAG on the coding strand, the reverse complement: TNXB is on the minus strand). VCF-style (leftmost placement, unchanged base first): chr6-32041765-C-CCTCACCTGATG. GRCh37 (hg19) VCF-style: chr6-32009542-C-CCTCACCTGATG.
Other names: c.12622_12627+5dup (NM_019105.8); c.1915_1920+5dup (NM_032470.4); c.12622_12627+5dup11 (NM_019105.8).
Identifiers: ClinVar variation 1310954 (VCV001310954.3), dbSNP rs1336193447, ClinGen allele CA566695004.

ClinVar aggregate classification (germline): Uncertain significance. Review status: criteria provided, multiple submitters, no conflicts (2 of 4 stars). 2 submissions from 2 submitters: Uncertain significance (2). Last evaluated 2026-02-24.

Allele frequency attached by ClinVar (database versions not stated): gnomAD exomes 0.00004; gnomAD 0.00006 and 0.00007.

Submissions (2):

Women's Health and Genetics/Laboratory Corporation of America, LabCorp
Classification: Uncertain significance. Last evaluated: 2026-02-24. Review status: criteria provided, single submitter. Criteria: LabCorp Variant Classification Summary - May 2015. Collection method: clinical testing. Allele origin: germline.
Comment: Variant summary: TNXB c.12622_12627+5dup11 results in a duplication involving a canonical splice site. Several computational tools predict a significant impact on normal splicing: Four predict the variant has no significant impact on splicing at the canonical 5' donor site, while one predicts the variant strengthens the 5' donor site. Four tools also predict the variant creates a new 5' donor site. However, these predictions have yet to be confirmed by functional studies. The variant allele was found at a frequency of 4.2e-05 in 95346 control chromosomes. The available data on variant occurrences in the general population are insufficient to allow any conclusion about variant significance. To our knowledge, no occurrence of c.12622_12627+5dup11 in individuals affected with TNXB-related conditions and no experimental evidence demonstrating its impact on protein function have been reported. ClinVar contains an entry for this variant (Variation ID: 1310954). Based on the evidence outlined above, the variant was classified as uncertain significance.

GeneDx
Classification: Uncertain significance. Last evaluated: 2019-12-02. Review status: criteria provided, single submitter. Criteria: GeneDx Variant Classification Process June 2021. Collection method: clinical testing. Allele origin: germline. Affected: yes.
Comment: In silico analysis, which includes splice predictors and evolutionary conservation, suggests this variant may impact gene splicing. In the absence of RNA/functional studies, the actual effect of this sequence change is unknown.; Has not been previously published as pathogenic or benign to our knowledge